The following is an entry in ClinVar:

ClinVar aggregate classification (germline): Uncertain significance (1 of 4 stars; one submission).

Conditions:
Epidermolysis bullosa simplex 5B, with muscular dystrophy (EBS5B). Also called: EPIDERMOLYSIS BULLOSA SIMPLEX AND LIMB-GIRDLE MUSCULAR DYSTROPHY; Epidermolysis bullosa simplex with muscular dystrophy. Identifiers: Orphanet 257, MedGen C2931072, MONDO:0009181, OMIM 226670.
Epidermolysis bullosa simplex, Ogna type (EBS5A). Also called: Pidermolysis bullosa simplex 5A, Ogna type; EPIDERMOLYSIS BULLOSA SIMPLEX 5A, OGNA TYPE. Identifiers: Orphanet 79401, MedGen C0432317, MONDO:0007555, OMIM 131950.
Epidermolysis bullosa simplex with nail dystrophy (EBS5D). Identifiers: MedGen C4225309, MONDO:0014661, OMIM 616487.
Autosomal recessive limb-girdle muscular dystrophy type 2Q (LGMDR17). Also called: MUSCULAR DYSTROPHY, LIMB-GIRDLE, AUTOSOMAL RECESSIVE 17. Identifiers: Orphanet 254361, MedGen C3150989, MONDO:0013390, OMIM 613723.
Epidermolysis bullosa simplex 5C, with pyloric atresia (EBS5C). Also called: PLEC1-Related Epidermolysis Bullosa with Pyloric Atresia; Epidermolysis bullosa simplex with pyloric atresia; PLEC-Related Epidermolysis Bullosa with Pyloric Atresia. Identifiers: Orphanet 158684, MedGen C2677349, MONDO:0012807, OMIM 612138.

Submission:

Labcorp Genetics (formerly Invitae), Labcorp
Classification: Uncertain significance for Autosomal recessive limb-girdle muscular dystrophy type 2Q; Epidermolysis bullosa simplex, Ogna type; Epidermolysis bullosa simplex with nail dystrophy; Epidermolysis bullosa simplex 5C, with pyloric atresia; Epidermolysis bullosa simplex 5B, with muscular dystrophy. Last evaluated: 2022-05-12. Review status: criteria provided, single submitter. Criteria: Invitae Variant Classification Sherloc (09022015). Collection method: clinical testing. Allele origin: germline.
Comment: In summary, the available evidence is currently insufficient to determine the role of this variant in disease. Therefore, it has been classified as a Variant of Uncertain Significance. Algorithms developed to predict the effect of missense changes on protein structure and function are either unavailable or do not agree on the potential impact of this missense change (SIFT: "Deleterious"; PolyPhen-2: "Possibly Damaging"; Align-GVGD: "Class C0"). This variant has not been reported in the literature in individuals affected with PLEC-related conditions. This variant is not present in population databases (gnomAD no frequency). This sequence change replaces valine, which is neutral and non-polar, with leucine, which is neutral and non-polar, at codon 2846 of the PLEC protein (p.Val2846Leu).

NM_201384.3(PLEC):c.8455G>T (p.Val2819Leu)

Gene: PLEC (plectin; minus strand). Cytogenetic location: 8q24.3.
Variant type: single nucleotide variant.
Coding change: c.8455G>T on transcript NM_201384.3 (MANE Select); coding-DNA position 8455, G replaced by T.
Protein change: p.Val2819Leu; replaces valine 2819 with leucine.
Molecular consequence: missense variant.
Genome position (GRCh38, 1-based): chr8:143,921,366, C>A on the plus strand (G>T on the coding strand, the complement: PLEC is on the minus strand). VCF-style: chr8-143921366-C-A. GRCh37 (hg19) VCF-style: chr8-144995534-C-A.
Other names: c.5155G>T, p.Val1719Leu (NM_001410941.1); c.8413G>T, p.Val2805Leu (NM_201378.4); c.8389G>T, p.Val2797Leu (NM_201379.3); c.8866G>T, p.Val2956Leu (NM_201380.4); c.8359G>T, p.Val2787Leu (NM_201381.3); c.8455G>T, p.Val2819Leu (NM_201382.4); c.8467G>T, p.Val2823Leu (NM_201383.3); c.8536G>T, p.Val2846Leu (NM_000445.5); short protein forms V2787L, V2819L, V2956L, V1719L, V2797L, V2805L, V2823L, V2846L.
Identifiers: ClinVar variation 1896352 (VCV001896352.5), dbSNP rs782271365, ClinGen allele CA372516009.